The following is an entry in ClinVar:

NM_173560.4(RFX6):c.1438-3T>C

Gene: RFX6 (regulatory factor X6; plus strand). Cytogenetic location: 6q22.1.
Variant type: single nucleotide variant.
Coding change: c.1438-3T>C on transcript NM_173560.4 (MANE Select); 3 bases into the intron before coding-DNA position 1438, T replaced by C.
Molecular consequence: intron variant.
Genome position (GRCh38, 1-based): chr6:116,923,104, T>C. VCF-style: chr6-116923104-T-C. GRCh37 (hg19) VCF-style: chr6-117244267-T-C.
Identifiers: ClinVar variation 4776663 (VCV004776663.1).

ClinVar aggregate classification (germline): Uncertain significance (1 of 4 stars; one submission).

gnomAD v4.1: 9 of 1,525,280 alleles (0.00059%); highest among the groups gnomAD compares: Middle Eastern, 0.017%; no homozygotes.

Submission:

Labcorp Genetics (formerly Invitae), Labcorp
Classification: Uncertain significance. Last evaluated: 2025-07-09. Review status: criteria provided, single submitter. Criteria: Invitae Variant Classification Sherloc (09022015). Collection method: clinical testing. Allele origin: germline.
Comment: This sequence change falls in intron 13 of the RFX6 gene. It does not directly change the encoded amino acid sequence of the RFX6 protein. It affects a nucleotide within the consensus splice site. This variant is present in population databases (rs779514550, gnomAD 0.002%). This variant has not been reported in the literature in individuals affected with RFX6-related conditions. Variants that disrupt the consensus splice site are a relatively common cause of aberrant splicing (PMID: 17576681, 9536098). Algorithms developed to predict the effect of sequence changes on RNA splicing suggest that this variant is not likely to affect RNA splicing. In summary, the available evidence is currently insufficient to determine the role of this variant in disease. Therefore, it has been classified as a Variant of Uncertain Significance.

Literature cited by the submitters: PubMed 17576681; PubMed 9536098.